The following is an entry in ClinVar:

NM_014915.3(ANKRD26):c.3685G>A (p.Ala1229Thr)

Gene: ANKRD26 (ankyrin repeat domain containing 26; minus strand). Cytogenetic location: 10p12.1.
Variant type: single nucleotide variant.
Coding change: c.3685G>A on transcript NM_014915.3 (MANE Select); coding-DNA position 3685, G replaced by A.
Protein change: p.Ala1229Thr; replaces alanine 1229 with threonine.
Molecular consequence: missense variant.
Genome position (GRCh38, 1-based): chr10:27,033,347, C>T on the plus strand (G>A on the coding strand, the complement: ANKRD26 is on the minus strand). VCF-style: chr10-27033347-C-T. GRCh37 (hg19) VCF-style: chr10-27322276-C-T.
Other names: c.3682G>A, p.Ala1228Thr (NM_001256053.2); short protein forms A1228T, A1229T.
Identifiers: ClinVar variation 3396854 (VCV003396854.1).

ClinVar aggregate classification (germline): Uncertain significance (1 of 4 stars; one submission).

Conditions:
Inborn genetic diseases. Identifiers: MedGen C0950123, MeSH D030342.

Submission:

Ambry Genetics
Classification: Uncertain significance for Inborn genetic diseases. Last evaluated: 2024-11-27. Review status: criteria provided, single submitter. Criteria: Ambry Variant Classification Scheme 2023. Collection method: clinical testing. Allele origin: germline.
Comment: The p.A1229T variant (also known as c.3685G>A), located in coding exon 25 of the ANKRD26 gene, results from a G to A substitution at nucleotide position 3685. The alanine at codon 1229 is replaced by threonine, an amino acid with similar properties. This amino acid position is conserved. In addition, this alteration is predicted to be tolerated by in silico analysis. Based on the available evidence, the clinical significance of this variant remains unclear.